The following is an entry in ClinVar:

NM_023110.3(FGFR1):c.644T>C (p.Ile215Thr)

Gene: FGFR1 (fibroblast growth factor receptor 1; minus strand). Cytogenetic location: 8p11.23.
Variant type: single nucleotide variant.
Coding change: c.644T>C on transcript NM_023110.3 (MANE Select); coding-DNA position 644, T replaced by C.
Protein change: p.Ile215Thr; replaces isoleucine 215 with threonine.
Molecular consequence: missense variant.
Genome position (GRCh38, 1-based): chr8:38,426,223, A>G on the plus strand (T>C on the coding strand, the complement: FGFR1 is on the minus strand). VCF-style: chr8-38426223-A-G. GRCh37 (hg19) VCF-style: chr8-38283741-A-G.
Other names: c.644T>C, p.Ile215Thr (NM_001174063.2); c.620T>C, p.Ile207Thr (NM_001174064.2); c.638T>C, p.Ile213Thr (NM_001174065.2, NM_001354367.2, NM_001354369.2 and 2 more transcripts); c.377T>C, p.Ile126Thr (NM_001174066.2, NM_023105.3); c.737T>C, p.Ile246Thr (NM_001174067.2); c.371T>C, p.Ile124Thr (NM_001354368.2, NM_001354370.2, NM_023106.3); short protein forms I124T, I126T, I207T, I213T, I215T, I246T.
Identifiers: ClinVar variation 3754221 (VCV003754221.2).
Genomic context (GRCh38, chr8:38,426,223, plus strand): 5'-TCATTCTCCACAATGCAGGTGTAGTTGCCCTTGTCAGAGGGCACCACAGAGTCCATTATG[A>G]TGCTCCAGGTGGCATAACGGACCTGAGGGGAAATGCCAAAGGGATACATTGAGGGTCCAG-3'
Protein context (NP_075598.2, residues 205-225): GYKVRYATWS[Ile215Thr]IMDSVVPSDK

ClinVar aggregate classification (germline): Uncertain significance (1 of 4 stars; one submission).

Conditions:
Pfeiffer syndrome (ACS5). Also called: ACS V. Identifiers: Orphanet 710, MedGen C0220658, MONDO:0007043, OMIM 101600.
Hypogonadotropic hypogonadism 2 with or without anosmia (HH2). Also called: FGFR1-Related GnRH Deficiency (Kallmann Syndrome 2); HYPOGONADOTROPIC HYPOGONADISM 2 WITH OR WITHOUT ANOSMIA, SUSCEPTIBILITY TO; HYPOGONADOTROPIC HYPOGONADISM 2 WITHOUT ANOSMIA; HYPOGONADOTROPIC HYPOGONADISM 2 WITHOUT ANOSMIA, SUSCEPTIBILITY TO. Identifiers: Orphanet 478, MedGen C1563720, MONDO:0007844, OMIM 147950. Disease mechanism: loss of function.

Submission:

Labcorp Genetics (formerly Invitae), Labcorp
Classification: Uncertain significance for Pfeiffer syndrome; Hypogonadotropic hypogonadism 2 with or without anosmia. Last evaluated: 2024-10-18. Review status: criteria provided, single submitter. Criteria: Invitae Variant Classification Sherloc (09022015). Collection method: clinical testing. Allele origin: germline.
Comment: This sequence change replaces isoleucine, which is neutral and non-polar, with threonine, which is neutral and polar, at codon 215 of the FGFR1 protein (p.Ile215Thr). This variant is not present in population databases (gnomAD no frequency). This missense change has been observed in individual(s) with Kallman syndrome (internal data). Invitae Evidence Modeling of protein sequence and biophysical properties (such as structural, functional, and spatial information, amino acid conservation, physicochemical variation, residue mobility, and thermodynamic stability) indicates that this missense variant is expected to disrupt FGFR1 protein function with a positive predictive value of 80%. In summary, the available evidence is currently insufficient to determine the role of this variant in disease. Therefore, it has been classified as a Variant of Uncertain Significance.